The following is an entry in ClinVar:

ClinVar aggregate classification (germline): Uncertain significance. Review status: criteria provided, multiple submitters, no conflicts (2 of 4 stars). 2 submissions from 2 submitters: Uncertain significance (2). Last evaluated 2025-07-15.

Conditions:
Inborn genetic diseases. Identifiers: MedGen C0950123, MeSH D030342.

Allele frequency attached by ClinVar (database versions not stated): gnomAD exomes 0.00001; ExAC 0.00001; TOPMed 0.00001; gnomAD 0.00001.
gnomAD v4.1: 10 of 1,613,944 alleles (0.00062%); highest among the groups gnomAD compares: Admixed American, 0.0017%; no homozygotes.

Submissions (2):

Ambry Genetics
Classification: Uncertain significance for Inborn genetic diseases. Last evaluated: 2025-07-15. Review status: criteria provided, single submitter. Criteria: Ambry Variant Classification Scheme 2023. Collection method: clinical testing. Allele origin: germline.

Labcorp Genetics (formerly Invitae), Labcorp
Classification: Uncertain significance. Last evaluated: 2025-05-01. Review status: criteria provided, single submitter. Criteria: Invitae Variant Classification Sherloc (09022015). Collection method: clinical testing. Allele origin: germline.
Comment: This sequence change replaces arginine, which is basic and polar, with cysteine, which is neutral and slightly polar, at codon 505 of the CDH2 protein (p.Arg505Cys). This variant is present in population databases (rs753588105, gnomAD 0.002%). This variant has not been reported in the literature in individuals affected with CDH2-related conditions. ClinVar contains an entry for this variant (Variation ID: 1774265). An algorithm developed to predict the effect of missense changes on protein structure and function (PolyPhen-2) suggests that this variant is likely to be disruptive. In summary, the available evidence is currently insufficient to determine the role of this variant in disease. Therefore, it has been classified as a Variant of Uncertain Significance.

NM_001792.5(CDH2):c.1513C>T (p.Arg505Cys)

Gene: CDH2 (cadherin 2; minus strand). Cytogenetic location: 18q12.1.
Variant type: single nucleotide variant.
Coding change: c.1513C>T on transcript NM_001792.5 (MANE Select); coding-DNA position 1513, C replaced by T.
Protein change: p.Arg505Cys; replaces arginine 505 with cysteine.
Molecular consequence: missense variant.
Genome position (GRCh38, 1-based): chr18:27,990,182, G>A on the plus strand (C>T on the coding strand, the complement: CDH2 is on the minus strand). VCF-style: chr18-27990182-G-A. GRCh37 (hg19) VCF-style: chr18-25570146-G-A.
Other names: c.1420C>T, p.Arg474Cys (NM_001308176.2); short protein forms R474C, R505C.
Identifiers: ClinVar variation 1774265 (VCV001774265.6), dbSNP rs753588105, ClinGen allele CA8923377.